The following is an entry in ClinVar:

ClinVar aggregate classification (germline): Uncertain significance. Review status: reviewed by expert panel (3 of 4 stars). 2 submissions from 2 submitters: Uncertain significance (1). 1 of the submissions does not count toward it. Last evaluated 2020-04-03.

Conditions:
Phenylketonuria (PKU). Also called: Phenylketonuria (PKU); FOLLING DISEASE; OLIGOPHRENIA PHENYLPYRUVICA; Phenylketonurias. Identifiers: Orphanet 716, MedGen C0031485, MONDO:0009861, OMIM 261600. Disease mechanism: loss of function.

Submissions (2):

ClinGen PAH Variant Curation Expert Panel
Classification: Uncertain significance for Phenylketonuria. Last evaluated: 2020-04-03. Review status: reviewed by expert panel. Criteria: ClinGen PAH ACMG Specifications v1. Collection method: curation. Allele origin: germline. Inheritance: Autosomal recessive inheritance.
Comment: The c.853C>T (p.His285Tyr) variant in PAH has been reported in 2 patients with PKU (BH4 deficiency excluded) (PMID: 9634518, 26503515) This variant is absent from population databases. Multiple lines of computational evidence support a deleterious effect. In summary, this variant meets criteria to be classified as uncertain significance for PAH. PAH-specific ACMG/AMP criteria applied: PP4_Moderate, PM2, PP3.

DeBelle Laboratory for Biochemical Genetics, MUHC/MCH RESEARCH INSTITUTE
No classification provided. Review status: no classification provided. Collection method: not provided. Allele origin: not provided. Not counted in ClinVar's aggregate classification.

Literature cited by the submitters: PubMed 29499199 (cited by ClinGen PAH Variant Curation Expert Panel); PubMed 17924342 (cited by ClinGen PAH Variant Curation Expert Panel); PubMed 9634518 (cited by ClinGen PAH Variant Curation Expert Panel); PubMed 26503515 (cited by ClinGen PAH Variant Curation Expert Panel).

NM_000277.3(PAH):c.853C>T (p.His285Tyr)

Genes: PAH (phenylalanine hydroxylase; minus strand), LOC126861615 (CDK7 strongly-dependent group 2 enhancer GRCh37_chr12:103244689-103245888; plus strand). Cytogenetic location: 12q23.2.
Variant type: single nucleotide variant.
Coding change: c.853C>T on transcript NM_000277.3 (MANE Select); coding-DNA position 853, C replaced by T.
Protein change: p.His285Tyr; replaces histidine 285 with tyrosine.
Molecular consequence: missense variant.
Genome position (GRCh38, 1-based): chr12:102,851,746, G>A on the plus strand (C>T on the coding strand, the complement: PAH is on the minus strand). VCF-style: chr12-102851746-G-A. GRCh37 (hg19) VCF-style: chr12-103245524-G-A.
Other names: c.853C>T, p.His285Tyr (NM_001354304.2); short protein forms H285Y.
Identifiers: ClinVar variation 102879 (VCV000102879.2), dbSNP rs199475636, ClinGen allele CA229824.